The following is an entry in ClinVar:

ClinVar aggregate classification (germline): Uncertain significance. Review status: criteria provided, multiple submitters, no conflicts (2 of 4 stars). 2 submissions from 2 submitters: Uncertain significance (2). Last evaluated 2024-06-03.

Conditions:
Hereditary cancer-predisposing syndrome. Also called: Tumor predisposition; Neoplastic Syndromes, Hereditary; Hereditary Cancer Syndrome; Hereditary neoplastic syndrome. Identifiers: Orphanet 140162, MedGen C0027672, MeSH D009386, MONDO:0015356.

Allele frequency attached by ClinVar (database versions not stated): TOPMed below 0.00001; gnomAD 0.00001; ESP Exome Variant Server 0.00008.
gnomAD v4.1: 5 of 1,614,070 alleles (0.00031%); highest among the groups gnomAD compares: Non-Finnish European, 0.00042%; no homozygotes.

Submissions (2):

Labcorp Genetics (formerly Invitae), Labcorp
Classification: Uncertain significance. Last evaluated: 2024-06-03. Review status: criteria provided, single submitter. Criteria: Invitae Variant Classification Sherloc (09022015). Collection method: clinical testing. Allele origin: germline.
Comment: This sequence change replaces arginine, which is basic and polar, with glycine, which is neutral and non-polar, at codon 332 of the CTNNA1 protein (p.Arg332Gly). This variant is present in population databases (rs371052704, gnomAD 0.0009%). This variant has not been reported in the literature in individuals affected with CTNNA1-related conditions. ClinVar contains an entry for this variant (Variation ID: 2086662). Advanced modeling of protein sequence and biophysical properties (such as structural, functional, and spatial information, amino acid conservation, physicochemical variation, residue mobility, and thermodynamic stability) performed at Invitae indicates that this missense variant is not expected to disrupt CTNNA1 protein function with a negative predictive value of 80%. In summary, the available evidence is currently insufficient to determine the role of this variant in disease. Therefore, it has been classified as a Variant of Uncertain Significance.

Ambry Genetics
Classification: Uncertain significance for Hereditary cancer-predisposing syndrome. Last evaluated: 2023-05-06. Review status: criteria provided, single submitter. Criteria: Ambry Variant Classification Scheme 2023. Collection method: clinical testing. Allele origin: germline.
Comment: The p.R332G variant (also known as c.994C>G), located in coding exon 6 of the CTNNA1 gene, results from a C to G substitution at nucleotide position 994. The arginine at codon 332 is replaced by glycine, an amino acid with dissimilar properties. This amino acid position is conserved. In addition, this alteration is predicted to be deleterious by in silico analysis. Since supporting evidence is limited at this time, the clinical significance of this alteration remains unclear.

NM_001903.5(CTNNA1):c.994C>G (p.Arg332Gly)

Gene: CTNNA1 (catenin alpha 1; plus strand). Cytogenetic location: 5q31.2.
Variant type: single nucleotide variant.
Coding change: c.994C>G on transcript NM_001903.5 (MANE Select); coding-DNA position 994, C replaced by G.
Protein change: p.Arg332Gly; replaces arginine 332 with glycine.
Molecular consequence: missense variant.
Genome position (GRCh38, 1-based): chr5:138,827,650, C>G. VCF-style: chr5-138827650-C-G. GRCh37 (hg19) VCF-style: chr5-138163339-C-G.
Other names: c.994C>G (NM_001903.2); c.994C>G, p.Arg332Gly (NM_001290307.3, NM_001323982.2, NM_001323983.1 and 3 more transcripts); c.685C>G, p.Arg229Gly (NM_001290309.3); c.625C>G, p.Arg209Gly (NM_001290310.3); short protein forms R209G, R229G, R332G.
Identifiers: ClinVar variation 2086662 (VCV002086662.6), dbSNP rs371052704, ClinGen allele CA128231288.